The following is an entry in ClinVar:

NM_014712.3(SETD1A):c.1602A>G (p.Ser534=)

Gene: SETD1A (SET domain containing 1A, histone lysine methyltransferase; plus strand). Cytogenetic location: 16p11.2.
Variant type: single nucleotide variant.
Coding change: c.1602A>G on transcript NM_014712.3 (MANE Select); coding-DNA position 1602, A replaced by G.
Protein change: p.Ser534=; no amino-acid change (serine 534 retained).
Molecular consequence: synonymous variant.
Genome position (GRCh38, 1-based): chr16:30,965,344, A>G. VCF-style: chr16-30965344-A-G. GRCh37 (hg19) VCF-style: chr16-30976665-A-G.
Identifiers: ClinVar variation 4280977 (VCV004280977.7).
Genomic context (GRCh38, chr16:30,965,344, plus strand): 5'-AGAGAACAGCAGCATGGTCCTTGGGGCCAGAGATACAGGGAGTGAGGTGCCTTCTGGGTC[A>G]GGGCATGGGCCCTGCACACCCCCTCCGGCCCCAGCTAATTTTGAGGATGTGGCACCTACA-3'
Protein context (NP_055527.1, residues 524-544): RDTGSEVPSG[Ser534=]GHGPCTPPPA

ClinVar aggregate classification (germline): Likely benign (1 of 4 stars; one submission).

gnomAD v4.1: 268 of 1,614,158 alleles (0.017%); highest among the groups gnomAD compares: East Asian, 0.43%; no homozygotes.

Submission:

CeGaT Center for Human Genetics Tuebingen
Classification: Likely benign. Last evaluated: 2025-09-01. Review status: criteria provided, single submitter. Criteria: CeGaT Center For Human Genetics Tuebingen Variant Classification Criteria Version 2. Collection method: clinical testing. Allele origin: germline. Affected: yes. Observed: 1 variant allele.
Comment: SETD1A: BP4, BP7